The following is an entry in ClinVar:

ClinVar aggregate classification (germline): Uncertain significance (1 of 4 stars; one submission).

Allele frequency attached by ClinVar (database versions not stated): TOPMed 0.00002; ESP Exome Variant Server 0.00008.

Submission:

Labcorp Genetics (formerly Invitae), Labcorp
Classification: Uncertain significance. Last evaluated: 2022-03-05. Review status: criteria provided, single submitter. Criteria: Invitae Variant Classification Sherloc (09022015). Collection method: clinical testing. Allele origin: germline.
Comment: This sequence change replaces tryptophan, which is neutral and slightly polar, with cysteine, which is neutral and slightly polar, at codon 4214 of the LRP2 protein (p.Trp4214Cys). This variant is not present in population databases (gnomAD no frequency). This variant has not been reported in the literature in individuals affected with LRP2-related conditions. Advanced modeling of protein sequence and biophysical properties (such as structural, functional, and spatial information, amino acid conservation, physicochemical variation, residue mobility, and thermodynamic stability) performed at Invitae indicates that this missense variant is expected to disrupt LRP2 protein function. In summary, the available evidence is currently insufficient to determine the role of this variant in disease. Therefore, it has been classified as a Variant of Uncertain Significance.

NM_004525.3(LRP2):c.12642G>T (p.Trp4214Cys)

Gene: LRP2 (LDL receptor related protein 2; minus strand). Cytogenetic location: 2q31.1.
Variant type: single nucleotide variant.
Coding change: c.12642G>T on transcript NM_004525.3 (MANE Select); coding-DNA position 12642, G replaced by T.
Protein change: p.Trp4214Cys; replaces tryptophan 4214 with cysteine.
Molecular consequence: missense variant.
Genome position (GRCh38, 1-based): chr2:169,146,908, C>A on the plus strand (G>T on the coding strand, the complement: LRP2 is on the minus strand). VCF-style: chr2-169146908-C-A. GRCh37 (hg19) VCF-style: chr2-170003418-C-A.
Other names: short protein forms W4214C.
Identifiers: ClinVar variation 1949193 (VCV001949193.2), dbSNP rs369614685, ClinGen allele CA59893032.